The following is an entry in ClinVar:

NM_001111125.3(IQSEC2):c.2533C>T (p.Arg845Trp)

Gene: IQSEC2 (IQ motif and Sec7 domain ArfGEF 2; minus strand). Cytogenetic location: Xp11.22.
Variant type: single nucleotide variant.
Coding change: c.2533C>T on transcript NM_001111125.3 (MANE Select); coding-DNA position 2533, C replaced by T.
Protein change: p.Arg845Trp; replaces arginine 845 with tryptophan.
Molecular consequence: missense variant.
Genome position (GRCh38, 1-based): chrX:53,248,163, G>A on the plus strand (C>T on the coding strand, the complement: IQSEC2 is on the minus strand). VCF-style: chrX-53248163-G-A. GRCh37 (hg19) VCF-style: chrX-53277345-G-A.
Other names: c.2533C>T, p.Arg845Trp (NM_001410736.1); c.1918C>T, p.Arg640Trp (NM_015075.2); short protein forms R640W, R845W.
Identifiers: ClinVar variation 2500370 (VCV002500370.1), dbSNP rs2519780702, ClinGen allele CA413157026.

ClinVar aggregate classification (germline): Uncertain significance (1 of 4 stars; one submission).

Submission:

GeneDx
Classification: Uncertain significance. Last evaluated: 2022-11-01. Review status: criteria provided, single submitter. Criteria: GeneDx Variant Classification Process June 2021. Collection method: clinical testing. Allele origin: germline. Affected: yes.
Comment: Identified in a patient in published literature (Stranneheim et al., 2021) but additional evidence is not available; Not observed at significant frequency in large population cohorts (gnomAD); In silico analysis supports that this missense variant has a deleterious effect on protein structure/function; This variant is associated with the following publications: (PMID: 20473311, 33726816)